The following is an entry in ClinVar:

NM_000222.3(KIT):c.1194_1195delinsAT (p.Asp398_Val399delinsGluPhe)

Gene: KIT (KIT proto-oncogene, receptor tyrosine kinase; plus strand). Cytogenetic location: 4q12.
Variant type: Indel.
Coding change: c.1194_1195delinsAT on transcript NM_000222.3 (MANE Select); coding-DNA positions 1194 to 1195, CG replaced by AT.
Protein change: p.Asp398_Val399delinsGluPhe.
Molecular consequence: missense variant.
Genome position (GRCh38, 1-based): chr4:54,709,502-54,709,503, CG replaced by AT. VCF-style: chr4-54709502-CG-AT. GRCh37 (hg19) VCF-style: chr4-55575668-CG-AT.
Other names: c.1194_1195delinsAT, p.Asp398_Val399delinsGluPhe (NM_001093772.2, NM_001385285.1, NM_001385286.1); c.1197_1198delinsAT, p.Asp399_Val400delinsGluPhe (NM_001385284.1, NM_001385288.1, NM_001385290.1 and 1 more transcripts); c.1194_1195delCGinsAT (NM_000222.2).
Identifiers: ClinVar variation 572650 (VCV000572650.14), dbSNP rs1560404023, ClinGen allele CA891843211.
Genomic context (GRCh38, chr4:54,709,502, plus strand): 5'-TCTAACGAGATTAAAAGGCACCGAAGGAGGCACTTACACATTCCTAGTGTCCAATTCTGA[CG>AT]TCAATGCTGCCATAGCATTTAATGTTTATGTGAATAGTAAGTAACATGAAGGGCTCCTTT-3'

ClinVar aggregate classification (germline): Uncertain significance. Review status: criteria provided, multiple submitters, no conflicts (2 of 4 stars). 3 submissions from 3 submitters: Uncertain significance (3). Last evaluated 2026-01-05.

Conditions:
Hereditary cancer-predisposing syndrome. Also called: Hereditary Cancer Syndrome; Tumor predisposition; Neoplastic Syndromes, Hereditary; Hereditary neoplastic syndrome. Identifiers: Orphanet 140162, MedGen C0027672, MeSH D009386, MONDO:0015356.
Gastrointestinal stromal tumor. Also called: Gastrointestinal stromal tumor, somatic; Gastrointestinal stroma tumor. Identifiers: Orphanet 44890, MedGen C0238198, MeSH D046152, MONDO:0011719, OMIM 606764, HP:0100723.

Submissions (3):

Labcorp Genetics (formerly Invitae), Labcorp
Classification: Uncertain significance for Gastrointestinal stromal tumor. Last evaluated: 2026-01-05. Review status: criteria provided, single submitter. Criteria: Invitae Variant Classification Sherloc (09022015). Collection method: clinical testing. Allele origin: germline.
Comment: This variant, c.1194_1195delinsAT, is a complex sequence change that results in the in-frame exchange of 2 amino acid(s) in the KIT protein (p.Asp398_Val399delinsGluPhe). Information on the frequency of this variant in the gnomAD database is not available, as this variant may be reported differently in the database. This variant has not been reported in the literature in individuals affected with KIT-related conditions. ClinVar contains an entry for this variant (Variation ID: 572650). Experimental studies and prediction algorithms are not available or were not evaluated, and the functional significance of this variant is currently unknown. In summary, the available evidence is currently insufficient to determine the role of this variant in disease. Therefore, it has been classified as a Variant of Uncertain Significance.

Ambry Genetics
Classification: Uncertain significance for Hereditary cancer-predisposing syndrome. Last evaluated: 2025-02-05. Review status: criteria provided, single submitter. Criteria: Ambry Variant Classification Scheme 2023. Collection method: clinical testing. Allele origin: germline.
Comment: The c.1194_1195delCGinsAT variant (also known as p.D398_V399delinsEF), located in coding exon 7 of the KIT gene, results from an in-frame deletion of CG and insertion of AT at nucleotide positions 1194 to 1195. This results in the substitution of aspartic acid and valine residues for glutamic acid and phenylalanine residues at codon 398 and 399. This amino acid region is well conserved in available vertebrate species. In addition, the in silico prediction for this alteration is inconclusive (Choi Y et al. PLoS ONE. 2012; 7(10):e46688). Based on the available evidence, the clinical significance of this variant remains unclear.

Baylor Genetics
Classification: Uncertain significance for Gastrointestinal stromal tumor. Last evaluated: 2024-03-19. Review status: criteria provided, single submitter. Criteria: ACMG Guidelines, 2015. Collection method: clinical testing. Allele origin: unknown.